The following is an entry in ClinVar:

ClinVar aggregate classification (germline): Conflicting classifications of pathogenicity. Review status: criteria provided, conflicting classifications (1 of 4 stars). 2 submissions from 2 submitters: Uncertain significance (1); Likely benign (1). Last evaluated 2022-02-18.

Conditions:
Hereditary cancer-predisposing syndrome. Also called: Hereditary neoplastic syndrome; Hereditary Cancer Syndrome; Neoplastic Syndromes, Hereditary; Tumor predisposition. Identifiers: Orphanet 140162, MedGen C0027672, MeSH D009386, MONDO:0015356.

Allele frequency attached by ClinVar (database versions not stated): gnomAD exomes below 0.00001; TOPMed below 0.00001.
gnomAD v4.1: 1 of 1,613,846 alleles (0.000062%); highest among the groups gnomAD compares: Middle Eastern, 0.016%; no homozygotes.

Submissions (2):

Ambry Genetics
Classification: Uncertain significance for Hereditary cancer-predisposing syndrome. Last evaluated: 2022-02-18. Review status: criteria provided, single submitter. Criteria: Ambry Variant Classification Scheme 2023. Collection method: clinical testing. Allele origin: germline.
Comment: The c.-5G>C variant is located in the 5' untranslated region (5&rsquo; UTR) of the XRCC2 gene. This variant results from a G to C substitution 5 bases upstream from the first translated codon. This nucleotide position is well conserved in available vertebrate species. Since supporting evidence is limited at this time, the clinical significance of this alteration remains unclear.

GeneDx
Classification: Likely benign. Last evaluated: 2017-08-21. Review status: criteria provided, single submitter. Criteria: GeneDx Variant Classification (06012015). Collection method: clinical testing. Allele origin: germline. Affected: yes.
Comment: This variant is considered likely benign or benign based on one or more of the following criteria: it is a conservative change, it occurs at a poorly conserved position in the protein, it is predicted to be benign by multiple in silico algorithms, and/or has population frequency not consistent with disease.

NM_005431.2(XRCC2):c.-5G>C

Gene: XRCC2 (X-ray repair cross complementing 2; minus strand). Cytogenetic location: 7q36.1.
Variant type: single nucleotide variant.
Coding change: c.-5G>C on transcript NM_005431.2 (MANE Select); 5 bases upstream of the start codon, G replaced by C.
Molecular consequence: 5 prime UTR variant.
Genome position (GRCh38, 1-based): chr7:152,676,084, C>G on the plus strand (G>C on the coding strand, the complement: XRCC2 is on the minus strand). VCF-style: chr7-152676084-C-G. GRCh37 (hg19) VCF-style: chr7-152373169-C-G.
Identifiers: ClinVar variation 511604 (VCV000511604.3), dbSNP rs1554413532, ClinGen allele CA658797062.